The following is an entry in ClinVar:

NM_001844.5(COL2A1):c.3275G>A (p.Gly1092Asp)

Gene: COL2A1 (collagen type II alpha 1 chain; minus strand). Cytogenetic location: 12q13.11.
Variant type: single nucleotide variant.
Coding change: c.3275G>A on transcript NM_001844.5 (MANE Select); coding-DNA position 3275, G replaced by A.
Protein change: p.Gly1092Asp; replaces glycine 1092 with aspartic acid.
Molecular consequence: missense variant.
Genome position (GRCh38, 1-based): chr12:47,977,154, C>T on the plus strand (G>A on the coding strand, the complement: COL2A1 is on the minus strand). VCF-style: chr12-47977154-C-T. GRCh37 (hg19) VCF-style: chr12-48370937-C-T.
Other names: COL2A1, GLY1092ASP (rs794727684); c.3068G>A, p.Gly1023Asp (NM_033150.3); short protein forms G1092D, G1023D.
Identifiers: ClinVar variation 197564 (VCV000197564.13), dbSNP rs794727684, ClinGen allele CA251242.

ClinVar aggregate classification (germline): Pathogenic/Likely pathogenic. Review status: criteria provided, multiple submitters, no conflicts (2 of 4 stars). 4 submissions from 4 submitters: Pathogenic (1); Likely pathogenic (2). 1 of the submissions does not count toward it. Last evaluated 2025-10-05.

Conditions:
Spondylometaphyseal dysplasia, Schmidt type (SMDALG). Also called: SPONDYLOMETAPHYSEAL DYSPLASIA, ALGERIAN TYPE; SPONDYLOMETAPHYSEAL DYSPLASIA WITH SEVERE GENU VALGUM. Identifiers: Orphanet 93316, MedGen C1866688, MONDO:0008478, OMIM 184253.
Spondyloepiphyseal dysplasia congenita (SEDC). Also called: SED CONGENITA; SPONDYLOEPIPHYSEAL DYSPLASIA, CONGENITAL TYPE. Identifiers: Orphanet 94068, MedGen C2745959, MONDO:0008471, OMIM 183900.

Submissions (4):

Clinical Biomedical Laboratory, Shriners Hospital For Children - Canada
Classification: Pathogenic for Spondyloepiphyseal dysplasia congenita. Last evaluated: 2025-10-05. Review status: criteria provided, single submitter. Criteria: ACMG Guidelines, 2015. Collection method: clinical testing. Allele origin: germline. Affected: yes.
Comment: This variant is predicted to substitute a glycine residue by a serine residue in the alpha1 chain of collagen type II and disrupts the triple helix domain of collagen type II. This variant is absent from the Genome Aggregation Database (v2.1.1).

Labcorp Genetics (formerly Invitae), Labcorp
Classification: Likely pathogenic. Last evaluated: 2021-04-24. Review status: criteria provided, single submitter. Criteria: Invitae Variant Classification Sherloc (09022015). Collection method: clinical testing. Allele origin: germline.
Comment: This sequence change replaces glycine with aspartic acid at codon 1092 of the COL2A1 protein (p.Gly1092Asp). The glycine residue is highly conserved and there is a moderate physicochemical difference between glycine and aspartic acid. This variant is not present in population databases (ExAC no frequency). This variant has been observed in individual(s) with clinical features of autosomal dominant COL2A1-related conditions (PMID: 29620724). ClinVar contains an entry for this variant (Variation ID: 197564). Algorithms developed to predict the effect of missense changes on protein structure and function are either unavailable or do not agree on the potential impact of this missense change (SIFT: "Deleterious"; PolyPhen-2: "Not Available"; Align-GVGD: "Class C65"). This variant disrupts the triple helix domain of COL2A1. Glycine residues within the Gly-Xaa-Yaa repeats of the triple helix domain are required for the structure and stability of fibrillar collagens (PMID: 7695699, 8218237, 19344236). In COL2A1, variants affecting these glycine residues are significantly enriched in individuals with disease (PMID: 9016532, 17078022) compared to the general population (ExAC). In summary, the currently available evidence indicates that the variant is pathogenic, but additional data are needed to prove that conclusively. Therefore, this variant has been classified as Likely Pathogenic.

Eurofins Ntd Llc (ga)
Classification: Likely pathogenic. Last evaluated: 2015-05-11. Review status: criteria provided, single submitter. Criteria: EGL Classification Definitions 2015. Collection method: clinical testing. Allele origin: germline. Observed: 1 variant allele, 1 heterozygote.

OMIM
Classification: Pathogenic for SPONDYLOMETAPHYSEAL DYSPLASIA, ALGERIAN TYPE. Last evaluated: 2025-01-24. Review status: no assertion criteria provided. Collection method: literature only. Allele origin: germline. Not counted in ClinVar's aggregate classification.

Literature cited by the submitters: PubMed 29620724 (cited by Labcorp Genetics (formerly Invitae), Labcorp); PubMed 7695699 (cited by Labcorp Genetics (formerly Invitae), Labcorp); PubMed 8218237 (cited by Labcorp Genetics (formerly Invitae), Labcorp); PubMed 19344236 (cited by Labcorp Genetics (formerly Invitae), Labcorp); PubMed 9016532 (cited by Labcorp Genetics (formerly Invitae), Labcorp); PubMed 17078022 (cited by Labcorp Genetics (formerly Invitae), Labcorp); PubMed 38162154 (cited by OMIM).